The following is an entry in ClinVar:

NM_004431.5(EPHA2):c.2898G>A (p.Lys966=)

Gene: EPHA2 (EPH receptor A2; minus strand). Cytogenetic location: 1p36.13.
Variant type: single nucleotide variant.
Coding change: c.2898G>A on transcript NM_004431.5 (MANE Select); coding-DNA position 2898, G replaced by A.
Protein change: p.Lys966=; no amino-acid change (lysine 966 retained).
Molecular consequence: synonymous variant.
Genome position (GRCh38, 1-based): chr1:16,125,248, C>T on the plus strand (G>A on the coding strand, the complement: EPHA2 is on the minus strand). VCF-style: chr1-16125248-C-T. GRCh37 (hg19) VCF-style: chr1-16451743-C-T.
Other names: c.2736G>A, p.Lys912= (NM_001329090.2).
Identifiers: ClinVar variation 293407 (VCV000293407.5), dbSNP rs142825252, ClinGen allele CA624669.

ClinVar aggregate classification (germline): Likely benign (1 of 4 stars; one submission).

Conditions:
Cataract 6 multiple types. Also called: CATARACT, AGE-RELATED CORTICAL, 2; CATARACT 6, POSTERIOR POLAR; CATARACT 6, CONGENITAL TOTAL. Identifiers: Orphanet 91492, MedGen C1861825, MONDO:0007288, OMIM 116600.

Allele frequency attached by ClinVar (database versions not stated): gnomAD exomes 0.00010 and 0.00009; gnomAD 0.00007 and 0.00009; ESP Exome Variant Server 0.00015; ExAC 0.00006; TOPMed 0.00008.
gnomAD v4.1: 147 of 1,613,914 alleles (0.0091%); highest among the groups gnomAD compares: Non-Finnish European, 0.012%; no homozygotes.

Submission:

Illumina Laboratory Services, Illumina
Classification: Likely benign for Cataract 6 multiple types. Last evaluated: 2018-01-13. Review status: criteria provided, single submitter. Criteria: ICSL Variant Classification Criteria 13 December 2019. Collection method: clinical testing. Allele origin: germline.
Comment: This variant was observed in the ICSL laboratory as part of a predisposition screen in an ostensibly healthy population. It had not been previously curated by ICSL or reported in the Human Gene Mutation Database (HGMD: prior to June 1st, 2018), and was therefore a candidate for classification through an automated scoring system. Utilizing variant allele frequency, disease prevalence and penetrance estimates, and inheritance mode, an automated score was calculated to assess if this variant is too frequent to cause the disease. Based on the score and internal cut-off values, a variant classified as likely benign is not then subjected to further curation. The score for this variant resulted in a classification of likely benign for this disease.